The following is an entry in ClinVar:

NM_007118.4(TRIO):c.757dup (p.Ala253fs)

Gene: TRIO (trio Rho guanine nucleotide exchange factor; plus strand). Cytogenetic location: 5p15.2.
Variant type: Duplication.
Coding change: c.757dup on transcript NM_007118.4 (MANE Select); coding-DNA position 757, one base duplicated (G; older notation c.757dupG).
Protein change: p.Ala253fs; shifts the reading frame from alanine 253.
Molecular consequence: frameshift variant. On other transcripts: non-coding transcript variant (1).
Genome position (GRCh38, 1-based): chr5:14,290,932, G duplicated; the last of 5 consecutive G bases (chr5:14,290,928-14,290,932); duplicating any one gives the same sequence. VCF-style (leftmost placement, unchanged base first): chr5-14290927-A-AG. GRCh37 (hg19) VCF-style: chr5-14291036-A-AG.
Other names: short protein forms A253fs.
Identifiers: ClinVar variation 1709305 (VCV001709305.2), dbSNP rs2532138789, ClinGen allele CA2580072115.

ClinVar aggregate classification (germline): Likely pathogenic (1 of 4 stars; one submission).

Conditions:
Intellectual developmental disorder, autosomal dominant 44, with microcephaly. Also called: Micrognathia-recurrent infections-behavioral abnormalities-mild intellectual disability syndrome; TRIO-Related Intellectual Disability. Identifiers: Orphanet 476126, MedGen C4310740, MONDO:0014892, OMIM 617061.

Submission:

MGZ Medical Genetics Center
Classification: Likely pathogenic for Intellectual developmental disorder, autosomal dominant 44, with microcephaly. Last evaluated: 2022-04-12. Review status: criteria provided, single submitter. Criteria: ACMG Guidelines, 2015. Collection method: clinical testing. Allele origin: germline. Affected: yes. Observed: 1 variant allele.
Comment: ACMG criteria applied: PVS1, PM2_SUP